The following is an entry in ClinVar:

ClinVar aggregate classification (germline): Uncertain significance (1 of 4 stars; one submission).

Allele frequency attached by ClinVar (database versions not stated): ExAC 0.00001; gnomAD exomes 0.00001; TOPMed 0.00001.
gnomAD v4.1: 7 of 1,614,166 alleles (0.00043%); highest among the groups gnomAD compares: Non-Finnish European, 0.00059%; no homozygotes.

Submission:

Labcorp Genetics (formerly Invitae), Labcorp
Classification: Uncertain significance. Last evaluated: 2023-09-05. Review status: criteria provided, single submitter. Criteria: Invitae Variant Classification Sherloc (09022015). Collection method: clinical testing. Allele origin: germline.
Comment: In summary, the available evidence is currently insufficient to determine the role of this variant in disease. Therefore, it has been classified as a Variant of Uncertain Significance. Advanced modeling of protein sequence and biophysical properties (such as structural, functional, and spatial information, amino acid conservation, physicochemical variation, residue mobility, and thermodynamic stability) performed at Invitae indicates that this missense variant is expected to disrupt CSF2RB protein function. This variant is present in population databases (rs764017982, gnomAD 0.0009%). This variant has not been reported in the literature in individuals affected with CSF2RB-related conditions. This sequence change replaces tyrosine, which is neutral and polar, with cysteine, which is neutral and slightly polar, at codon 376 of the CSF2RB protein (p.Tyr376Cys).

NM_000395.3(CSF2RB):c.1127A>G (p.Tyr376Cys)

Gene: CSF2RB (colony stimulating factor 2 receptor subunit beta; plus strand). Cytogenetic location: 22q12.3.
Variant type: single nucleotide variant.
Coding change: c.1127A>G on transcript NM_000395.3 (MANE Select); coding-DNA position 1127, A replaced by G.
Protein change: p.Tyr376Cys; replaces tyrosine 376 with cysteine.
Molecular consequence: missense variant.
Genome position (GRCh38, 1-based): chr22:36,932,879, A>G. VCF-style: chr22-36932879-A-G. GRCh37 (hg19) VCF-style: chr22-37328921-A-G.
Other names: c.1145A>G, p.Tyr382Cys (NM_001410827.1); short protein forms Y376C, Y382C.
Identifiers: ClinVar variation 2916992 (VCV002916992.3), dbSNP rs764017982, ClinGen allele CA10213702.